The following is an entry in ClinVar:

NC_000001.10:g.(?_100329922)_(100336445_?)dup

Gene: AGL (amylo-alpha-1,6-glucosidase and 4-alpha-glucanotransferase; plus strand). Cytogenetic location: 1p21.2.
Variant type: Duplication.
Identifiers: ClinVar variation 3247634 (VCV003247634.1).

ClinVar aggregate classification (germline): Uncertain significance (1 of 4 stars; one submission).

Conditions:
Glycogen storage disease type III (GSD3). Also called: FORBES DISEASE; Cori disease. Identifiers: Orphanet 366, MedGen C0017922, MONDO:0009291, OMIM 232400.

Submission:

Labcorp Genetics (formerly Invitae), Labcorp
Classification: Uncertain significance for Glycogen storage disease type III. Last evaluated: 2023-11-08. Review status: criteria provided, single submitter. Criteria: Invitae Variant Classification Sherloc (09022015). Collection method: clinical testing. Allele origin: unknown.
Comment: This variant results in a copy number gain of the genomic region encompassing exon(s) 5-7 of the AGL gene. While the exact position of this variant cannot be determined from the data, sub-genic copy number gains are generally in tandem (PMID: 25640679). This variant is predicted to be in-frame, and likely preserves the integrity of the reading frame. A similar copy number variant has been observed in individual(s) with glycogen storage disease type III (Invitae). In at least one individual the data is consistent with being in trans (on the opposite chromosome) from a pathogenic variant. Experimental studies and prediction algorithms are not available or were not evaluated, and the functional significance of this variant is currently unknown. In summary, the available evidence is currently insufficient to determine the role of this variant in disease. Therefore, it has been classified as a Variant of Uncertain Significance.

Literature cited by the submitters: PubMed 25640679.